The following is an entry in ClinVar:

NM_000368.5(TSC1):c.2449G>T (p.Ala817Ser)

Gene: TSC1 (TSC complex subunit 1; minus strand). Cytogenetic location: 9q34.13.
Variant type: single nucleotide variant.
Coding change: c.2449G>T on transcript NM_000368.5 (MANE Select); coding-DNA position 2449, G replaced by T.
Protein change: p.Ala817Ser; replaces alanine 817 with serine.
Molecular consequence: missense variant.
Genome position (GRCh38, 1-based): chr9:132,901,642, C>A on the plus strand (G>T on the coding strand, the complement: TSC1 is on the minus strand). VCF-style: chr9-132901642-C-A. GRCh37 (hg19) VCF-style: chr9-135777029-C-A.
Other names: c.2446G>T, p.Ala816Ser (NM_001162426.2); c.2296G>T, p.Ala766Ser (NM_001162427.2); c.2086G>T, p.Ala696Ser (NM_001362177.2); short protein forms A817S, A696S, A766S, A816S.
Identifiers: ClinVar variation 534415 (VCV000534415.16), dbSNP rs1554814652, ClinGen allele CA375358553.
Genomic context (GRCh38, chr9:132,901,642, plus strand): 5'-TTCTTACCTTTTGGGAAACCTGACTGAGCAGCAGCTCAGTGTGACACACCTTGTTGTTGG[C>A]CTTCTTCAGTTCTATCCGCAGCTCCGCAATCATGTTCCTGCAGTCCTCCAGCTTCGTCTG-3'
Protein context (NP_000359.1, residues 807-827): IAELRIELKK[Ala817Ser]NNKVCHTELL

ClinVar aggregate classification (germline): Conflicting classifications of pathogenicity. Review status: criteria provided, conflicting classifications (1 of 4 stars). 5 submissions from 5 submitters: Uncertain significance (4); Benign (1). Last evaluated 2026-01-19.

Conditions:
Tuberous sclerosis 1 (TSC1). Identifiers: Orphanet 805, MedGen C1854465, MONDO:0008612, OMIM 191100.
Hereditary cancer-predisposing syndrome. Also called: Neoplastic Syndromes, Hereditary; Hereditary Cancer Syndrome; Tumor predisposition; Hereditary neoplastic syndrome. Identifiers: Orphanet 140162, MedGen C0027672, MeSH D009386, MONDO:0015356.
Lymphangiomyomatosis (LAM). Also called: Lymphangioleiomyomatosis; Lymphangioleiomyomatosis, somatic. Identifiers: Orphanet 538, MedGen C0751674, MONDO:0011705, OMIM 606690.
Isolated focal cortical dysplasia type II (FCORD2). Also called: Focal cortical dysplasia type II; CORTICAL DYSPLASIA OF TAYLOR. Identifiers: Orphanet 268994, MedGen C1846385, MONDO:0011818, OMIM 607341, HP:0032051.

Allele frequency attached by ClinVar (database versions not stated): gnomAD exomes below 0.00001.
gnomAD v4.1: 2 of 1,614,120 alleles (0.00012%); highest among the groups gnomAD compares: Non-Finnish European, 0.00017%; no homozygotes.

Submissions (5):

Labcorp Genetics (formerly Invitae), Labcorp
Classification: Benign for Tuberous sclerosis 1. Last evaluated: 2026-01-19. Review status: criteria provided, single submitter. Criteria: Invitae Variant Classification Sherloc (09022015). Collection method: clinical testing. Allele origin: germline.

GeneDx
Classification: Uncertain significance. Last evaluated: 2024-08-26. Review status: criteria provided, single submitter. Criteria: GeneDx Variant Classification Process June 2021. Collection method: clinical testing. Allele origin: germline.
Comment: Not observed at significant frequency in large population cohorts (gnomAD); In silico analysis indicates that this missense variant does not alter protein structure/function; Has not been previously published as pathogenic or benign to our knowledge; This variant is associated with the following publications: (PMID: 18466115)

Baylor Genetics
Classification: Uncertain significance for Isolated focal cortical dysplasia type II. Last evaluated: 2023-11-02. Review status: criteria provided, single submitter. Criteria: ACMG Guidelines, 2015. Collection method: clinical testing. Allele origin: unknown.

Ambry Genetics
Classification: Uncertain significance for Hereditary cancer-predisposing syndrome. Last evaluated: 2023-11-01. Review status: criteria provided, single submitter. Criteria: Ambry Variant Classification Scheme 2023. Collection method: clinical testing. Allele origin: germline.
Comment: The p.A817S variant (also known as c.2449G>T), located in coding exon 17 of the TSC1 gene, results from a G to T substitution at nucleotide position 2449. The alanine at codon 817 is replaced by serine, an amino acid with similar properties. This amino acid position is conserved. In addition, the in silico prediction for this alteration is inconclusive. Since supporting evidence is limited at this time, the clinical significance of this alteration remains unclear.

Fulgent Genetics
Classification: Uncertain significance for Tuberous sclerosis 1; Lymphangiomyomatosis; Isolated focal cortical dysplasia type II. Last evaluated: 2022-05-10. Review status: criteria provided, single submitter. Criteria: ACMG Guidelines, 2015. Collection method: clinical testing. Allele origin: unknown.